The following is an entry in ClinVar:

NM_000395.3(CSF2RB):c.2299G>A (p.Val767Met)

Gene: CSF2RB (colony stimulating factor 2 receptor subunit beta; plus strand). Cytogenetic location: 22q12.3.
Variant type: single nucleotide variant.
Coding change: c.2299G>A on transcript NM_000395.3 (MANE Select); coding-DNA position 2299, G replaced by A.
Protein change: p.Val767Met; replaces valine 767 with methionine.
Molecular consequence: missense variant.
Genome position (GRCh38, 1-based): chr22:36,938,107, G>A. VCF-style: chr22-36938107-G-A. GRCh37 (hg19) VCF-style: chr22-37334149-G-A.
Other names: c.2317G>A, p.Val773Met (NM_001410827.1); short protein forms V773M, V767M.
Identifiers: ClinVar variation 4692950 (VCV004692950.1).

ClinVar aggregate classification (germline): Uncertain significance (1 of 4 stars; one submission).

gnomAD v4.1: 4 of 1,613,940 alleles (0.00025%); highest among the groups gnomAD compares: African/African-American, 0.004%; no homozygotes.

Submission:

Labcorp Genetics (formerly Invitae), Labcorp
Classification: Uncertain significance. Last evaluated: 2025-04-19. Review status: criteria provided, single submitter. Criteria: Invitae Variant Classification Sherloc (09022015). Collection method: clinical testing. Allele origin: germline.
Comment: This sequence change replaces valine, which is neutral and non-polar, with methionine, which is neutral and non-polar, at codon 767 of the CSF2RB protein (p.Val767Met). This variant is present in population databases (rs760912772, gnomAD 0.003%). This variant has not been reported in the literature in individuals affected with CSF2RB-related conditions. Invitae Evidence Modeling of protein sequence and biophysical properties (such as structural, functional, and spatial information, amino acid conservation, physicochemical variation, residue mobility, and thermodynamic stability) indicates that this missense variant is not expected to disrupt CSF2RB protein function with a negative predictive value of 80%. In summary, the available evidence is currently insufficient to determine the role of this variant in disease. Therefore, it has been classified as a Variant of Uncertain Significance.